The following is an entry in ClinVar:

ClinVar aggregate classification (germline): Pathogenic (1 of 4 stars; one submission).

Submission:

ISCA site 15
Classification: Pathogenic. Last evaluated: 2011-08-12. Review status: criteria provided, single submitter. Criteria: Kaminsky et al. (Genet Med. 2011). Collection method: clinical testing. Allele origin: unknown. Affected: yes. Observed: 1 variant allele.
Comment: Copy number variation identified through the course of routine clinical cytogenomic testing in postnatal populations. Clinical assertions have been curated as described in Kaminsky et al. 2011.

GRCh38/hg38 9q34.3(chr9:136926575-138114463)x1

Genes: LRRC26 (leucine rich repeat containing 26; minus strand), MAN1B1 (mannosidase alpha class 1B member 1; plus strand), MAN1B1-DT (MAN1B1 divergent transcript; minus strand), MIR3621 (microRNA 3621; minus strand), MIR602 (microRNA 602; plus strand) and 163 more. Cytogenetic location: 9q34.3.
Variant type: copy number loss.
Change: copy number 1 (one copy instead of two) of chr9:136,926,575-138,114,463 (1.19 Mb, GRCh38 coordinates, 1-based), cytogenetic band 9q34.3.
Identifiers: ClinVar variation 59140 (VCV000059140.1).